The following is an entry in ClinVar:

NM_133510.4(RAD51B):c.44T>C (p.Leu15Pro)

Gene: RAD51B (RAD51 paralog B; plus strand). Cytogenetic location: 14q24.1.
Variant type: single nucleotide variant.
Coding change: c.44T>C on transcript NM_133510.4 (MANE Select); coding-DNA position 44, T replaced by C.
Protein change: p.Leu15Pro; replaces leucine 15 with proline.
Molecular consequence: missense variant. On other transcripts: 5 prime UTR variant (1).
Genome position (GRCh38, 1-based): chr14:67,823,587, T>C. VCF-style: chr14-67823587-T-C. GRCh37 (hg19) VCF-style: chr14-68290304-T-C.
Other names: c.44T>C, p.Leu15Pro (NM_001321809.2, NM_001321810.2, NM_001321812.1 and 6 more transcripts); c.-412T>C (NM_001321817.2); short protein forms L15P.
Identifiers: ClinVar variation 4149853 (VCV004149853.1).
Genomic context (GRCh38, chr14:67,823,587, plus strand): 5'-TTGCTGGATCTGGAGGCATGGGTAGCAAGAAACTAAAACGAGTGGGTTTATCACAAGAGC[T>C]GTGTGACCGTCTGAGTAGACATCAGATCCTTACCTGTCAGGTAAATTTTATTTAACATTT-3'
Protein context (NP_598194.1, residues 5-25): KLKRVGLSQE[Leu15Pro]CDRLSRHQIL

ClinVar aggregate classification (germline): Uncertain significance (1 of 4 stars; one submission).

gnomAD v4.1: 1 of 1,613,908 alleles (0.000062%); highest among the groups gnomAD compares: Non-Finnish European, 0.000085%; no homozygotes.

Submission:

Ambry Genetics
Classification: Uncertain significance. Last evaluated: 2025-08-19. Review status: criteria provided, single submitter. Criteria: Ambry Variant Classification Scheme 2023. Collection method: clinical testing. Allele origin: germline.
Comment: The p.L15P variant (also known as c.44T>C), located in coding exon 1 of the RAD51B gene, results from a T to C substitution at nucleotide position 44. The leucine at codon 15 is replaced by proline, an amino acid with similar properties. This amino acid position is conserved. In addition, this alteration is predicted to be deleterious by in silico analysis. Based on the available evidence, the clinical significance of this variant remains unclear.